The following is an entry in ClinVar:

NM_001276270.2(MBD4):c.773T>A (p.Val258Asp)

Gene: MBD4 (methyl-CpG binding domain 4, DNA glycosylase; minus strand). Cytogenetic location: 3q21.3.
Variant type: single nucleotide variant.
Coding change: c.773T>A on transcript NM_001276270.2 (MANE Select); coding-DNA position 773, T replaced by A.
Protein change: p.Val258Asp; replaces valine 258 with aspartic acid.
Molecular consequence: missense variant. On other transcripts: intron variant (1).
Genome position (GRCh38, 1-based): chr3:129,436,871, A>T on the plus strand (T>A on the coding strand, the complement: MBD4 is on the minus strand). VCF-style: chr3-129436871-A-T. GRCh37 (hg19) VCF-style: chr3-129155714-A-T.
Other names: c.773T>A, p.Val258Asp (NM_001276271.2, NM_001276272.2, NM_003925.3); c.247+937T>A (NM_001276273.2); short protein forms V258D.
Identifiers: ClinVar variation 3661172 (VCV003661172.3).

ClinVar aggregate classification (germline): Uncertain significance. Review status: criteria provided, multiple submitters, no conflicts (2 of 4 stars). 2 submissions from 2 submitters: Uncertain significance (2). Last evaluated 2026-01-15.

Conditions:
Inborn genetic diseases. Identifiers: MedGen C0950123, MeSH D030342.

Submissions (2):

Labcorp Genetics (formerly Invitae), Labcorp
Classification: Uncertain significance. Last evaluated: 2026-01-15. Review status: criteria provided, single submitter. Criteria: Invitae Variant Classification Sherloc (09022015). Collection method: clinical testing. Allele origin: germline.
Comment: This sequence change replaces valine, which is neutral and non-polar, with aspartic acid, which is acidic and polar, at codon 258 of the MBD4 protein (p.Val258Asp). This variant is not present in population databases (gnomAD no frequency). This variant has not been reported in the literature in individuals affected with MBD4-related conditions. ClinVar contains an entry for this variant (Variation ID: 3661172). An algorithm developed to predict the effect of missense changes on protein structure and function (PolyPhen-2) suggests that this variant is likely to be tolerated. In summary, the available evidence is currently insufficient to determine the role of this variant in disease. Therefore, it has been classified as a Variant of Uncertain Significance.

Ambry Genetics
Classification: Uncertain significance for Inborn genetic diseases. Last evaluated: 2025-04-29. Review status: criteria provided, single submitter. Criteria: Ambry Variant Classification Scheme 2023. Collection method: clinical testing. Allele origin: germline.
Comment: The p.V258D variant (also known as c.773T>A), located in coding exon 3 of the MBD4 gene, results from a T to A substitution at nucleotide position 773. The valine at codon 258 is replaced by aspartic acid, an amino acid with highly dissimilar properties. This amino acid position is conserved. In addition, this alteration is predicted to be tolerated by in silico analysis. Based on the available evidence, the clinical significance of this variant remains unclear.